The following is an entry in ClinVar:

ClinVar aggregate classification (germline): Likely benign (0 of 4 stars; one submission).

Conditions:
PLXNA4-related disorder. Also called: PLXNA4-related condition.

gnomAD v4.1: 4 of 1,581,772 alleles (0.00025%); highest among the groups gnomAD compares: African/African-American, 0.0013%; no homozygotes.

Submission:

PreventionGenetics, part of Exact Sciences
Classification: Likely benign for PLXNA4-related condition. Last evaluated: 2023-08-01. Review status: no assertion criteria provided. Collection method: clinical testing. Allele origin: germline.
Comment: This variant is classified as likely benign based on ACMG/AMP sequence variant interpretation guidelines (Richards et al. 2015 PMID: 25741868, with internal and published modifications).

NM_020911.2(PLXNA4):c.45C>T (p.Leu15=)

Gene: PLXNA4 (plexin A4; minus strand). Cytogenetic location: 7q32.3.
Variant type: single nucleotide variant.
Coding change: c.45C>T on transcript NM_020911.2 (MANE Select); coding-DNA position 45, C replaced by T.
Protein change: p.Leu15=; no amino-acid change (leucine 15 retained).
Molecular consequence: synonymous variant.
Genome position (GRCh38, 1-based): chr7:132,508,649, G>A on the plus strand (C>T on the coding strand, the complement: PLXNA4 is on the minus strand). VCF-style: chr7-132508649-G-A. GRCh37 (hg19) VCF-style: chr7-132193408-G-A.
Other names: c.45C>T, p.Leu15= (NM_001105543.2, NM_001393897.1, NM_181775.4).
Identifiers: ClinVar variation 3356209 (VCV003356209.1).